The following is an entry in ClinVar:

NM_001103.4(ACTN2):c.1858A>G (p.Ile620Val)

Gene: ACTN2 (actinin alpha 2; plus strand). Cytogenetic location: 1q43.
Variant type: single nucleotide variant.
Coding change: c.1858A>G on transcript NM_001103.4 (MANE Select); coding-DNA position 1858, A replaced by G.
Protein change: p.Ile620Val; replaces isoleucine 620 with valine.
Molecular consequence: missense variant.
Genome position (GRCh38, 1-based): chr1:236,753,965, A>G. VCF-style: chr1-236753965-A-G. GRCh37 (hg19) VCF-style: chr1-236917265-A-G.
Other names: c.1858A>G, p.Ile620Val (NM_001278343.2); c.1234A>G, p.Ile412Val (NM_001278344.2); c.1858A>G (NM_001103.2); short protein forms I412V, I620V.
Identifiers: ClinVar variation 1429486 (VCV001429486.11), dbSNP rs1659474887, ClinGen allele CA345386683.

ClinVar aggregate classification (germline): Conflicting classifications of pathogenicity. Review status: criteria provided, conflicting classifications (1 of 4 stars). 3 submissions from 3 submitters: Uncertain significance (2); Likely benign (1). Last evaluated 2025-12-02.

Conditions:
Cardiovascular phenotype. Identifiers: MedGen CN230736.
Dilated cardiomyopathy 1AA (CMD1AA). Also called: CARDIOMYOPATHY, DILATED, 1AA, WITH OR WITHOUT LEFT VENTRICULAR NONCOMPACTION; CARDIOMYOPATHY, FAMILIAL HYPERTROPHIC, 23, WITH OR WITHOUT LEFT VENTRICULAR NONCOMPACTION; Cardiomyopathy, dilated, 1AA, with or without LVNC. Identifiers: Orphanet 154, MedGen C2677338, MONDO:0012808, OMIM 612158.
Primary familial hypertrophic cardiomyopathy (HCM). Identifiers: Orphanet 99739, MedGen C0949658, MeSH D024741, MONDO:0024573. Inheritance: Various modes of inheritance.

Allele frequency attached by ClinVar (database versions not stated): TOPMed below 0.00001.

Submissions (3):

Clinical Genomics Laboratory, Washington University in St. Louis
Classification: Uncertain significance for Dilated cardiomyopathy 1AA. Last evaluated: 2025-12-02. Review status: criteria provided, single submitter. Criteria: ACMG Guidelines, 2015. Collection method: clinical testing. Allele origin: germline.
Comment: An ACTN2 c.1858A>G (p.Ile620Val) variant was identified in a heterozygous state. This variant, to our knowledge, has not been reported in the medical literature. It has been reported in the ClinVar database as a germline variant of uncertain significance by one submitter and likely benign by one submitter (Variation ID: 1429486). It is absent from the general population (gnomAD v2.1.1), indicating it is not a common variant. Computational predictors suggest that the variant does not impact ACTN2 function. Due to limited information, and based on ACMG/AMP guidelines for variant interpretation (Richards S et al., PMID: 25741868), the clinical significance of this variant is uncertain at this time.

Labcorp Genetics (formerly Invitae), Labcorp
Classification: Uncertain significance for Primary familial hypertrophic cardiomyopathy; Dilated cardiomyopathy 1AA. Last evaluated: 2025-06-02. Review status: criteria provided, single submitter. Criteria: Invitae Variant Classification Sherloc (09022015). Collection method: clinical testing. Allele origin: germline.
Comment: This sequence change replaces isoleucine, which is neutral and non-polar, with valine, which is neutral and non-polar, at codon 620 of the ACTN2 protein (p.Ile620Val). This variant is not present in population databases (gnomAD no frequency). This variant has not been reported in the literature in individuals affected with ACTN2-related conditions. ClinVar contains an entry for this variant (Variation ID: 1429486). Invitae Evidence Modeling of protein sequence and biophysical properties (such as structural, functional, and spatial information, amino acid conservation, physicochemical variation, residue mobility, and thermodynamic stability) indicates that this missense variant is not expected to disrupt ACTN2 protein function with a negative predictive value of 80%. In summary, the available evidence is currently insufficient to determine the role of this variant in disease. Therefore, it has been classified as a Variant of Uncertain Significance.

Ambry Genetics
Classification: Likely benign for Cardiovascular phenotype. Last evaluated: 2023-07-15. Review status: criteria provided, single submitter. Criteria: Ambry Variant Classification Scheme 2023. Collection method: clinical testing. Allele origin: germline.